The following is an entry in ClinVar:

NC_000007.12:g.111781517_120142536del

Gene: FOXP2 (forkhead box P2; plus strand). Cytogenetic location: 7q31.1-31.31.
Variant type: Deletion.
Identifiers: ClinVar variation 242957 (VCV000242957.2).

ClinVar aggregate classification (germline): Pathogenic (0 of 4 stars; one submission).

Conditions:
Childhood apraxia of speech (SPCH1). Also called: Speech language disorder; DEVELOPMENTAL VERBAL DYSPRAXIA; SPEECH AND LANGUAGE DISORDER WITH OROFACIAL DYSPRAXIA; FOXP2-Related Speech and Language Disorder. Identifiers: Orphanet 209908, MedGen C0750927, MONDO:0011184, OMIM 602081.

Submission:

GeneReviews
Classification: Pathogenic for Childhood apraxia of speech. Last evaluated: 2016-03-02. Review status: no assertion criteria provided. Collection method: literature only. Allele origin: germline. Affected: yes. Observed: 2 variant alleles.
Comment: Speech: CAS Oromotor: Oromotor difficulties Language: Poor vocabulary Cognition: Moderate developmental delay: Autistic features, eye disorder

Literature cited by the submitters: PubMed 22105961.